The following is an entry in ClinVar:

ClinVar aggregate classification (germline): Pathogenic/Likely pathogenic. Review status: criteria provided, multiple submitters, no conflicts (2 of 4 stars). 14 submissions from 14 submitters: Pathogenic (11); Likely pathogenic (1). 2 of the submissions do not count toward it. Last evaluated 2025-08-04.

Conditions:
Inborn genetic diseases. Identifiers: MedGen C0950123, MeSH D030342.
DDX3X-related disorder. Also called: DDX3X-related condition.
Intellectual disability, X-linked 102 (MRXSSB). Also called: Intellectual developmental disorder, X-linked syndromic, Snijders Blok type. Identifiers: Orphanet 457260, MedGen C5393299, MONDO:0010497, OMIM 300958.

Submissions (15):

Ambry Genetics
Classification: Pathogenic for Inborn genetic diseases. Last evaluated: 2025-08-04. Review status: criteria provided, single submitter. Criteria: Ambry Variant Classification Scheme 2023. Collection method: clinical testing. Allele origin: germline.
Comment: The c.874C>T (p.R292*) alteration, located in exon 10 (coding exon 10) of the DDX3X gene, consists of a C to T substitution at nucleotide position 874. This changes the amino acid from an arginine (R) to a stop codon at amino acid position 292. This alteration is expected to result in loss of function by premature protein truncation or nonsense-mediated mRNA decay. This variant was not reported in population-based cohorts in the Genome Aggregation Database (gnomAD). This variant was reported as heterozygous in female(s) with features consistent with DDX3X-related neurodevelopmental disorder; in at least one individual, it was determined to be a de novo variant (Wang, 2018; Lennox, 2020). Based on the available evidence, this alteration is classified as pathogenic.

Victorian Clinical Genetics Services, Murdoch Childrens Research Institute
Classification: Pathogenic for Intellectual disability, X-linked 102. Last evaluated: 2025-03-25. Review status: criteria provided, single submitter. Criteria: ACMG Guidelines, 2015. Collection method: clinical testing. Allele origin: germline. Affected: yes.
Comment: This variant is classified as Pathogenic. Evidence in support of pathogenic classification: Variant is predicted to cause nonsense-mediated decay (NMD) and loss of protein (premature termination codon is located at least 54 nucleotides upstream of the final exon-exon junction); Variant is absent from gnomAD (v2, v3 and v4); This variant has strong previous evidence of pathogenicity in unrelated individuals. This variant has been classified as pathogenic/likely pathogenic by clinical laboratories in ClinVar; Other NMD-predicted variants comparable to the one identified in this case have very strong previous evidence for pathogenicity (DECIPHER); Additional information: This variant is heterozygous; This gene is associated with X-linked dominant disease. Females may or may not be symptomatic (OMIM); Loss of function is a known mechanism of disease in this gene and is associated with X-linked intellectual disability 102 (MONDO:0010497).

Revvity Omics, Revvity
Classification: Pathogenic for Intellectual disability, X-linked 102. Last evaluated: 2024-06-14. Review status: criteria provided, single submitter. Criteria: ACMG Guidelines, 2015. Collection method: clinical testing. Allele origin: germline.

PreventionGenetics, part of Exact Sciences
Classification: Pathogenic for DDX3X-related condition. Last evaluated: 2023-07-05. Review status: criteria provided, single submitter. Criteria: ACMG Guidelines, 2015. Collection method: clinical testing. Allele origin: germline.
Comment: The DDX3X c.874C>T variant is predicted to result in premature protein termination (p.Arg292*). This variant has been reported as a de novo finding in individuals with Snijders Blok type X-linked syndromic intellectual developmental disorder (Wang et al. 2018. PubMed ID: 30349862; Lennox et al. 2020. PubMed ID: 32135084; Martin et al. 2021. PubMed ID: 33504798). This variant has not been reported in a large population database, indicating this variant is rare. Nonsense variants in DDX3X are expected to be pathogenic. This variant is interpreted as pathogenic.

CeGaT Center for Human Genetics Tuebingen
Classification: Pathogenic. Last evaluated: 2023-04-01. Review status: criteria provided, single submitter. Criteria: CeGaT Center For Human Genetics Tuebingen Variant Classification Criteria Version 2. Collection method: clinical testing. Allele origin: germline. Affected: yes. Observed: 1 variant allele.
Comment: DDX3X: PVS1, PM2, PS4:Supporting

Center for Personalized Medicine, Children's Hospital Los Angeles
Classification: Pathogenic. Last evaluated: 2022-12-21. Review status: criteria provided, single submitter. Criteria: ACMG Guidelines, 2015. Collection method: clinical testing. Allele origin: de novo. Affected: yes.

GeneDx
Classification: Pathogenic. Last evaluated: 2022-05-09. Review status: criteria provided, single submitter. Criteria: GeneDx Variant Classification Process June 2021. Collection method: clinical testing. Allele origin: germline. Affected: yes.
Comment: Nonsense variant predicted to result in protein truncation or nonsense mediated decay in a gene for which loss-of-function is a known mechanism of disease; Not observed at significant frequency in large population cohorts (gnomAD); This variant is associated with the following publications: (PMID: 30349862, 32135084, 33084842, 31785789, 33504798)

Institute of Medical Genetics and Applied Genomics, University Hospital Tübingen
Classification: Pathogenic. Last evaluated: 2020-10-23. Review status: criteria provided, single submitter. Criteria: ACMG Guidelines, 2015. Collection method: clinical testing. Allele origin: germline. Inheritance: Unknown mechanism. Affected: yes.

Rady Children's Institute for Genomic Medicine, Rady Children's Hospital San Diego
Classification: Pathogenic for Intellectual disability, X-linked 102. Last evaluated: 2020-07-14. Review status: criteria provided, single submitter. Criteria: ACMG Guidelines, 2015. Collection method: clinical testing. Allele origin: germline. Affected: yes.
Comment: This nonsense variant found in exon 10 of 17 is predicted to result in loss of normal protein function through either protein truncation or nonsense-mediated mRNA decay (NMD). It is absent from the gnomAD population database and thus is presumed to be rare. Analysis of the parental samples was negative for the variant, indicating this variant likely occurred as a de novo event. Based on the available evidence, the c.874C>T (p.Arg292Ter) variant is classified as Pathogenic.

Women's Health and Genetics/Laboratory Corporation of America, LabCorp
Classification: Likely pathogenic for Mental retardation, X-linked 102. Last evaluated: 2020-04-10. Review status: criteria provided, single submitter. Criteria: LabCorp Variant Classification Summary - May 2015. Collection method: clinical testing. Allele origin: germline.
Comment: Variant summary: DDX3X c.874C>T (p.Arg292X) results in a premature termination codon, predicted to cause a truncation of the encoded protein or absence of the protein due to nonsense mediated decay, which are commonly known mechanisms for disease. The variant was absent in 178756 control chromosomes (gnomAD). To our knowledge, no experimental evidence demonstrating an impact on protein function has been reported. Three ClinVar submitters (evaluation after 2014) cite the variant as pathogenic. Based on the evidence outlined above, the variant was classified as likely pathogenic.

Labcorp Genetics (formerly Invitae), Labcorp
Classification: Pathogenic. Last evaluated: 2018-09-29. Review status: criteria provided, single submitter. Criteria: Invitae Variant Classification Sherloc (09022015). Collection method: clinical testing. Allele origin: germline.
Comment: This sequence change creates a premature translational stop signal (p.Arg292*) in the DDX3X gene. It is expected to result in an absent or disrupted protein product. This variant is not present in population databases (ExAC no frequency). This variant has not been reported in the literature in individuals with DDX3X-related disease. ClinVar contains an entry for this variant (Variation ID: 452201). Loss-of-function variants in DDX3X are known to be pathogenic (PMID: 26235985). For these reasons, this variant has been classified as Pathogenic.

Institute of Human Genetics, University Hospital of Duesseldorf
Classification: Pathogenic for Intellectual disability, X-linked 102. Review status: criteria provided, single submitter. Criteria: ACMG Guidelines, 2015. Collection method: not provided. Allele origin: germline. Inheritance: X-linked dominant inheritance. Affected: yes.

Centre de Biologie Pathologie Génétique, Centre Hospitalier Universitaire de Lille
Classification: Pathogenic for Mental retardation, X-linked 102. Last evaluated: 2019-01-01. Review status: no assertion criteria provided. Collection method: clinical testing. Allele origin: de novo. Affected: yes. Not counted in ClinVar's aggregate classification.

Developmental and Behavioral Pediatrics, First Affiliated Hospital of Jilin University
Classification: Pathogenic for Intellectual disability, X-linked 102. Review status: no assertion criteria provided. Collection method: clinical testing. Allele origin: de novo. Not counted in ClinVar's aggregate classification.

Dr. Peter K. Rogan Lab, Western University
No classification provided (evidence only). Condition: Nonpapillary renal cell carcinoma. Review status: no classification provided. Collection method: in vitro. Allele origin: not applicable. Functional consequence: skipped exon. Not counted in ClinVar's aggregate classification.

Literature cited by the submitters: PubMed 30349862 (cited by Ambry Genetics and Women's Health and Genetics/Laboratory Corporation of America, LabCorp); PubMed 32135084 (cited by Ambry Genetics); PubMed 26235985 (cited by Labcorp Genetics (formerly Invitae), Labcorp).

NM_001356.5(DDX3X):c.874C>T (p.Arg292Ter)

Gene: DDX3X (DEAD-box helicase 3 X-linked; plus strand). Cytogenetic location: Xp11.4.
Variant type: single nucleotide variant.
Coding change: c.874C>T on transcript NM_001356.5 (MANE Select); coding-DNA position 874, C replaced by T.
Protein change: p.Arg292Ter; replaces arginine 292 with a stop codon.
Molecular consequence: nonsense. On other transcripts: non-coding transcript variant (1).
Genome position (GRCh38, 1-based): chrX:41,344,248, C>T. VCF-style: chrX-41344248-C-T. GRCh37 (hg19) VCF-style: chrX-41203501-C-T.
Other names: c.874C>T, p.Arg292Ter (NM_001193416.3); c.826C>T, p.Arg276Ter (NM_001193417.3); c.316C>T, p.Arg106Ter (NM_001363819.1); short protein forms R292*, R276*, R106*.
Identifiers: ClinVar variation 452201 (VCV000452201.76), dbSNP rs1555953488, ClinGen allele CA412770619.
Genomic context (GRCh38, chrX:41,344,248, plus strand): 5'-AACATGTAAAAATTTTGACCTTGAAGTTCATAACATTTTTTTTGCTTATAGTTTTCATAC[C>T]GATCTAGAGTTCGTCCTTGCGTGGTTTATGGTGGTGCCGATATTGGTCAGCAGATTCGAG-3'